The following is an entry in ClinVar:

NM_015102.5(NPHP4):c.427C>T (p.Pro143Ser)

Gene: NPHP4 (nephrocystin 4; minus strand). Cytogenetic location: 1p36.31.
Variant type: single nucleotide variant.
Coding change: c.427C>T on transcript NM_015102.5 (MANE Select); coding-DNA position 427, C replaced by T.
Protein change: p.Pro143Ser; replaces proline 143 with serine.
Molecular consequence: missense variant. On other transcripts: 5 prime UTR variant (2), non-coding transcript variant (1).
Genome position (GRCh38, 1-based): chr1:5,969,112, G>A on the plus strand (C>T on the coding strand, the complement: NPHP4 is on the minus strand). VCF-style: chr1-5969112-G-A. GRCh37 (hg19) VCF-style: chr1-6029172-G-A.
Other names: c.427C>T (NM_015102.3); c.-803C>T (NM_001291593.2); c.-940C>T (NM_001291594.2); short protein forms P143S.
Identifiers: ClinVar variation 1914710 (VCV001914710.4), dbSNP rs1383063920, ClinGen allele CA338050105.
Genomic context (GRCh38, chr1:5,969,112, plus strand): 5'-GGAAAACCCCAGGGTTGTAGAAACAAGGCAGGTACCTTTTGTCCTGGGAAGCAGAGATAG[G>A]AGAGTCCGGCTGGTTGCTGAAGATCCGAAGAATTCCAAACCCACAGGACAATGTCTGGAG-3'
Protein context (NP_055917.1, residues 133-153): LRIFSNQPDS[Pro143Ser]ISASQDKRLR

ClinVar aggregate classification (germline): Uncertain significance. Review status: criteria provided, multiple submitters, no conflicts (2 of 4 stars). 2 submissions from 2 submitters: Uncertain significance (2). Last evaluated 2025-10-18.

Conditions:
Inborn genetic diseases. Identifiers: MedGen C0950123, MeSH D030342.
Nephronophthisis. Also called: Juvenile Nephronophthisis. Identifiers: Orphanet 655, MedGen C0687120, MONDO:0019005, HP:0000090.

Allele frequency attached by ClinVar (database versions not stated): gnomAD exomes below 0.00001.
gnomAD v4.1: 2 of 1,550,856 alleles (0.00013%); highest among the groups gnomAD compares: Admixed American, 0.0039%; no homozygotes.

Submissions (2):

Ambry Genetics
Classification: Uncertain significance for Inborn genetic diseases. Last evaluated: 2025-10-18. Review status: criteria provided, single submitter. Criteria: Ambry Variant Classification Scheme 2023. Collection method: clinical testing. Allele origin: germline.

Labcorp Genetics (formerly Invitae), Labcorp
Classification: Uncertain significance for Nephronophthisis. Last evaluated: 2022-05-17. Review status: criteria provided, single submitter. Criteria: Invitae Variant Classification Sherloc (09022015). Collection method: clinical testing. Allele origin: germline.
Comment: This sequence change replaces proline, which is neutral and non-polar, with serine, which is neutral and polar, at codon 143 of the NPHP4 protein (p.Pro143Ser). This variant is present in population databases (no rsID available, gnomAD 0.004%). This variant has not been reported in the literature in individuals affected with NPHP4-related conditions. Algorithms developed to predict the effect of missense changes on protein structure and function (SIFT, PolyPhen-2, Align-GVGD) all suggest that this variant is likely to be tolerated. In summary, the available evidence is currently insufficient to determine the role of this variant in disease. Therefore, it has been classified as a Variant of Uncertain Significance.